The following is an entry in ClinVar:

NR_163594.1(SSPO):n.13330G>A

Variant type: single nucleotide variant.
Molecular consequence: non-coding transcript variant (on NR_163594.1).
Genome position: GRCh38 VCF-style: chr7-149822653-G-A. GRCh37 (hg19) VCF-style: chr7-149519742-G-A.
Identifiers: ClinVar variation 2658154 (VCV002658154.23), dbSNP rs201102091, ClinGen allele CA4559620.

ClinVar aggregate classification (germline): Likely benign (1 of 4 stars; one submission).

Submission:

CeGaT Center for Human Genetics Tuebingen
Classification: Likely benign. Last evaluated: 2023-01-01. Review status: criteria provided, single submitter. Criteria: CeGaT Center For Human Genetics Tuebingen Variant Classification Criteria Version 2. Collection method: clinical testing. Allele origin: germline. Affected: yes. Observed: 1 variant allele.
Comment: SSPOP: BS2